The following is an entry in ClinVar:

ClinVar aggregate classification (germline): Likely pathogenic (1 of 4 stars; one submission).

Conditions:
Pan-Chung-Bellen syndrome. Identifiers: MedGen C5975547, MONDO:0975953, OMIM 621049.

Submission:

3billion
Classification: Likely pathogenic for Pan-Chung-Bellen syndrome. Last evaluated: 2026-01-08. Review status: criteria provided, single submitter. Criteria: ACMG Guidelines, 2015. Collection method: clinical testing. Allele origin: germline. Affected: yes.
Comment: The variant is not observed in the gnomAD v4.1.0 dataset. Predicted Consequence/Location: Frameshift: predicted to result in a loss or disruption of normal protein function through nonsense-mediated decay (NMD) or protein truncation. Multiple pathogenic variants are reported downstream of the variant. Therefore, this variant is classified as Likely pathogenic according to the recommendation of ACMG/AMP guideline.

NM_015030.2(FRYL):c.5174dup (p.Asn1725fs)

Gene: FRYL (FRY like transcription coactivator; minus strand). Cytogenetic location: 4p11.
Variant type: Duplication.
Coding change: c.5174dup on transcript NM_015030.2 (MANE Select); coding-DNA position 5174, one base duplicated (A; older notation c.5174dupA).
Protein change: p.Asn1725fs; shifts the reading frame from asparagine 1725.
Molecular consequence: frameshift variant.
Genome position (GRCh38, 1-based): chr4:48,546,172, T duplicated on the plus strand (A on the coding strand, the reverse complement: FRYL is on the minus strand); the first of 2 consecutive T bases (chr4:48,546,172-48,546,173); duplicating either gives the same sequence. VCF-style (leftmost placement, unchanged base first): chr4-48546171-G-GT. GRCh37 (hg19) VCF-style: chr4-48548188-G-GT.
Other names: short protein forms N1725fs.
Identifiers: ClinVar variation 4856005 (VCV004856005.1).
Genomic context (GRCh38, chr4:48,546,171, plus strand): 5'-CTCCACTGAGATGTCAACCTCATTGAGGATAGTGGTGTGCAGATGTGAAATGGCAGCACT[G>GT]TTATTTCCTAAGCTGATACTAGAAGAGGTAGAACTTGAGCTAAGCCCTGAGTCAGTCATA-3'